The following is an entry in ClinVar:

NM_001367561.1(DOCK7):c.1142A>G (p.Lys381Arg)

Gene: DOCK7 (dedicator of cytokinesis 7; minus strand). Cytogenetic location: 1p31.3.
Variant type: single nucleotide variant.
Coding change: c.1142A>G on transcript NM_001367561.1 (MANE Select); coding-DNA position 1142, A replaced by G.
Protein change: p.Lys381Arg; replaces lysine 381 with arginine.
Molecular consequence: missense variant.
Genome position (GRCh38, 1-based): chr1:62,631,380, T>C on the plus strand (A>G on the coding strand, the complement: DOCK7 is on the minus strand). VCF-style: chr1-62631380-T-C. GRCh37 (hg19) VCF-style: chr1-63097051-T-C.
Other names: c.1142A>G, p.Lys381Arg (NM_001271999.2, NM_001272000.2, NM_001272001.2 and 3 more transcripts); short protein forms K381R.
Identifiers: ClinVar variation 1032722 (VCV001032722.13), dbSNP rs148287864, ClinGen allele CA887008.

ClinVar aggregate classification (germline): Conflicting classifications of pathogenicity. Review status: criteria provided, conflicting classifications (1 of 4 stars). 3 submissions from 3 submitters: Uncertain significance (2); Likely benign (1). Last evaluated 2025-07-25.

Conditions:
Developmental and epileptic encephalopathy, 23 (DEE23). Also called: Epileptic encephalopathy, early infantile, 23. Identifiers: Orphanet 411986, MedGen C4014492, MONDO:0014371, OMIM 615859.

Allele frequency attached by ClinVar (database versions not stated): 1000 Genomes Project 0.00020; gnomAD 0.00001 and 0.00008; ESP Exome Variant Server 0.00008; ExAC 0.00031; TOPMed 0.00001; gnomAD exomes 0.00015 and 0.00024; 1000 Genomes Project 30x 0.00016.
gnomAD v4.1: 234 of 1,602,762 alleles (0.015%); highest among the groups gnomAD compares: South Asian, 0.25%; no homozygotes.

Submissions (3):

GeneDx
Classification: Uncertain significance. Last evaluated: 2025-07-25. Review status: criteria provided, single submitter. Criteria: GeneDx Variant Classification Process June 2021. Collection method: clinical testing. Allele origin: germline.
Comment: In silico analysis suggests that this missense variant does not alter protein structure/function; Has not been previously published as pathogenic or benign to our knowledge

Labcorp Genetics (formerly Invitae), Labcorp
Classification: Likely benign for Developmental and epileptic encephalopathy, 23. Last evaluated: 2025-07-13. Review status: criteria provided, single submitter. Criteria: Invitae Variant Classification Sherloc (09022015). Collection method: clinical testing. Allele origin: germline.

Baylor Genetics
Classification: Uncertain significance for Developmental and epileptic encephalopathy, 23. Last evaluated: 2018-08-06. Review status: criteria provided, single submitter. Criteria: ACMG Guidelines, 2015. Collection method: clinical testing. Allele origin: paternal. Affected: yes.
Comment: This variant was determined to be of uncertain significance according to ACMG Guidelines, 2015 [PMID:25741868].